The following is an entry in ClinVar:

ClinVar aggregate classification (germline): Uncertain significance (1 of 4 stars; one submission).

Submission:

Ambry Genetics
Classification: Uncertain significance. Last evaluated: 2026-06-20. Review status: criteria provided, single submitter. Criteria: Ambry Variant Classification Scheme 2023. Collection method: clinical testing. Allele origin: germline.
Comment: The p.E380K variant (also known as c.1138G>A), located in coding exon 8 of the RNF43 gene, results from a G to A substitution at nucleotide position 1138. The glutamic acid at codon 380 is replaced by lysine, an amino acid with similar properties. This amino acid position is conserved. In addition, this alteration is predicted to be tolerated by in silico analysis. Based on the available evidence, the clinical significance of this variant remains unclear.

NM_017763.6(RNF43):c.1138G>A (p.Glu380Lys)

Gene: RNF43 (ring finger protein 43; minus strand). Cytogenetic location: 17q22.
Variant type: single nucleotide variant.
Coding change: c.1138G>A on transcript NM_017763.6 (MANE Select); coding-DNA position 1138, G replaced by A.
Protein change: p.Glu380Lys; replaces glutamic acid 380 with lysine.
Molecular consequence: missense variant.
Genome position (GRCh38, 1-based): chr17:58,358,638, C>T on the plus strand (G>A on the coding strand, the complement: RNF43 is on the minus strand). VCF-style: chr17-58358638-C-T. GRCh37 (hg19) VCF-style: chr17-56435999-C-T.
Other names: c.1138G>A, p.Glu380Lys (NM_001438821.1, NM_001438822.1, NM_001305544.3 and 1 more transcripts); c.757G>A, p.Glu253Lys (NM_001305545.2, NM_001437987.1); short protein forms E380K, E253K.
Identifiers: ClinVar variation 5028321 (VCV005028321.1).